The following is an entry in ClinVar:

NM_001927.4(DES):c.58G>A (p.Gly20Arg)

Gene: DES (desmin; plus strand). Cytogenetic location: 2q35.
Variant type: single nucleotide variant.
Coding change: c.58G>A on transcript NM_001927.4 (MANE Select); coding-DNA position 58, G replaced by A.
Protein change: p.Gly20Arg; replaces glycine 20 with arginine.
Molecular consequence: missense variant.
Genome position (GRCh38, 1-based): chr2:219,418,520, G>A. VCF-style: chr2-219418520-G-A. GRCh37 (hg19) VCF-style: chr2-220283242-G-A.
Other names: c.58G>A (LRG_380t1); short protein forms G20R.
Identifiers: ClinVar variation 411153 (VCV000411153.12), dbSNP rs759306707, ClinGen allele CA16610716.

ClinVar aggregate classification (germline): Uncertain significance. Review status: criteria provided, multiple submitters, no conflicts (2 of 4 stars). 3 submissions from 3 submitters: Uncertain significance (3). Last evaluated 2026-09-10.

Conditions:
Cardiovascular phenotype. Identifiers: MedGen CN230736.
Desmin-related myofibrillar myopathy (MFM1). Also called: DESMIN-RELATED MYOPATHY WITH ARRHYTHMOGENIC RIGHT VENTRICULAR CARDIOMYOPATHY; MYOFIBRILLAR MYOPATHY WITH ARRHYTHMOGENIC RIGHT VENTRICULAR CARDIOMYOPATHY; Desminopathy; Desmin related myopathy (former name); Desmin storage myopathy (former name); Myofibrillar myopathy 1. Identifiers: Orphanet 363543, Orphanet 98909, MedGen C1832370, MONDO:0011076, OMIM 601419.

Allele frequency attached by ClinVar (database versions not stated): gnomAD 0.00001; TOPMed 0.00002.
gnomAD v4.1: 3 of 1,603,044 alleles (0.00019%); highest among the groups gnomAD compares: Non-Finnish European, 0.00017%; no homozygotes.

Submissions (3):

Ambry Genetics
Classification: Uncertain significance for Cardiovascular phenotype. Last evaluated: 2026-09-10. Review status: criteria provided, single submitter. Criteria: Ambry Variant Classification Scheme 2023. Collection method: clinical testing. Allele origin: germline.

Labcorp Genetics (formerly Invitae), Labcorp
Classification: Uncertain significance for Desmin-related myofibrillar myopathy. Last evaluated: 2025-12-07. Review status: criteria provided, single submitter. Criteria: Invitae Variant Classification Sherloc (09022015). Collection method: clinical testing. Allele origin: germline.
Comment: This sequence change replaces glycine, which is neutral and non-polar, with arginine, which is basic and polar, at codon 20 of the DES protein (p.Gly20Arg). This variant is not present in population databases (gnomAD no frequency). This variant has not been reported in the literature in individuals affected with DES-related conditions. ClinVar contains an entry for this variant (Variation ID: 411153). Invitae Evidence Modeling of protein sequence and biophysical properties (such as structural, functional, and spatial information, amino acid conservation, physicochemical variation, residue mobility, and thermodynamic stability) has been performed for this missense variant. However, the output from this modeling did not meet the statistical confidence thresholds required to predict the impact of this variant on DES protein function. In summary, the available evidence is currently insufficient to determine the role of this variant in disease. Therefore, it has been classified as a Variant of Uncertain Significance.

Blueprint Genetics
Classification: Uncertain significance. Last evaluated: 2024-06-14. Review status: criteria provided, single submitter. Criteria: ACMG Guidelines, 2015. Collection method: clinical testing. Allele origin: germline.